The following is an entry in ClinVar:

ClinVar aggregate classification (germline): Benign. Review status: criteria provided, multiple submitters, no conflicts (2 of 4 stars). 2 submissions from 2 submitters: Benign (2). Last evaluated 2023-04-25.

Conditions:
Autosomal dominant pseudohypoaldosteronism type 1. Also called: Pseudohypoaldosteronism, Type I, Autosomal Dominant; PHA I, AUTOSOMAL DOMINANT; Pseudohypoaldosteronism, Type I, Dominant. Identifiers: Orphanet 171871, Orphanet 756, MedGen C1449842, MONDO:0008329, OMIM 177735.

Allele frequency attached by ClinVar (database versions not stated): TOPMed 0.00004; gnomAD 0.00005 and 0.00012; 1000 Genomes Project 30x 0.00016; 1000 Genomes Project 0.00020; gnomAD exomes 0.00028; ExAC 0.00033.
gnomAD v4.1: 335 of 1,614,120 alleles (0.021%); highest among the groups gnomAD compares: East Asian, 0.73%; 4 homozygotes.

Submissions (2):

Labcorp Genetics (formerly Invitae), Labcorp
Classification: Benign. Last evaluated: 2023-04-25. Review status: criteria provided, single submitter. Criteria: Invitae Variant Classification Sherloc (09022015). Collection method: clinical testing. Allele origin: germline.

Illumina Laboratory Services, Illumina
Classification: Benign for Autosomal dominant pseudohypoaldosteronism type 1. Last evaluated: 2018-01-13. Review status: criteria provided, single submitter. Criteria: ICSL Variant Classification Criteria 13 December 2019. Collection method: clinical testing. Allele origin: germline.
Comment: This variant was observed in the ICSL laboratory as part of a predisposition screen in an ostensibly healthy population. It had not been previously curated by ICSL or reported in the Human Gene Mutation Database (HGMD: prior to June 1st, 2018), and was therefore a candidate for classification through an automated scoring system. Utilizing variant allele frequency, disease prevalence and penetrance estimates, and inheritance mode, an automated score was calculated to assess if this variant is too frequent to cause the disease. Based on the score and internal cut-off values, a variant classified as benign is not then subjected to further curation. The score for this variant resulted in a classification of benign for this disease.

NM_000901.5(NR3C2):c.449G>A (p.Arg150His)

Gene: NR3C2 (nuclear receptor subfamily 3 group C member 2; minus strand). Cytogenetic location: 4q31.23.
Variant type: single nucleotide variant.
Coding change: c.449G>A on transcript NM_000901.5 (MANE Select); coding-DNA position 449, G replaced by A.
Protein change: p.Arg150His; replaces arginine 150 with histidine.
Molecular consequence: missense variant. On other transcripts: non-coding transcript variant (1).
Genome position (GRCh38, 1-based): chr4:148,436,412, C>T on the plus strand (G>A on the coding strand, the complement: NR3C2 is on the minus strand). VCF-style: chr4-148436412-C-T. GRCh37 (hg19) VCF-style: chr4-149357564-C-T.
Other names: c.449G>A, p.Arg150His (NM_001166104.2, NM_001354819.1); short protein forms R150H.
Identifiers: ClinVar variation 347737 (VCV000347737.8), dbSNP rs13306591, ClinGen allele CA3100464.